The following is an entry in ClinVar:

ClinVar aggregate classification (germline): Pathogenic. Review status: criteria provided, multiple submitters, no conflicts (2 of 4 stars). 3 submissions from 3 submitters: Pathogenic (3). Last evaluated 2023-03-16.

Conditions:
Hereditary cancer-predisposing syndrome. Also called: Neoplastic Syndromes, Hereditary; Tumor predisposition; Hereditary neoplastic syndrome; Hereditary Cancer Syndrome. Identifiers: Orphanet 140162, MedGen C0027672, MeSH D009386, MONDO:0015356.
Familial cancer of breast. Also called: BREAST CANCER, FAMILIAL; Hereditary breast cancer; hereditary breast carcinoma. Identifiers: Orphanet 227535, MedGen C0346153, MONDO:0016419, OMIM 114480. Disease mechanism: loss of function.

Submissions (3):

Myriad Genetics, Inc.
Classification: Pathogenic for Familial cancer of breast. Last evaluated: 2023-03-16. Review status: criteria provided, single submitter. Criteria: Myriad Autosomal Dominant, Autosomal Recessive and X-Linked Classification Criteria (2023). Collection method: clinical testing. Allele origin: unknown.
Comment: This variant is considered pathogenic. This variant creates a frameshift predicted to result in premature protein truncation.

Labcorp Genetics (formerly Invitae), Labcorp
Classification: Pathogenic for Familial cancer of breast. Last evaluated: 2022-09-20. Review status: criteria provided, single submitter. Criteria: Invitae Variant Classification Sherloc (09022015). Collection method: clinical testing. Allele origin: germline.
Comment: ClinVar contains an entry for this variant (Variation ID: 826589). For these reasons, this variant has been classified as Pathogenic. This variant has not been reported in the literature in individuals affected with CHEK2-related conditions. This sequence change creates a premature translational stop signal (p.Thr225Leufs*10) in the CHEK2 gene. It is expected to result in an absent or disrupted protein product. Loss-of-function variants in CHEK2 are known to be pathogenic (PMID: 21876083, 24713400). The frequency data for this variant in the population databases is considered unreliable, as metrics indicate poor data quality at this position in the gnomAD database.

Ambry Genetics
Classification: Pathogenic for Hereditary cancer-predisposing syndrome. Last evaluated: 2018-07-25. Review status: criteria provided, single submitter. Criteria: Ambry Variant Classification Scheme 2023. Collection method: clinical testing. Allele origin: germline.
Comment: The c.673delA pathogenic mutation, located in coding exon 4 of the CHEK2 gene, results from a deletion of one nucleotide at nucleotide position 673, causing a translational frameshift with a predicted alternate stop codon (p.T225Lfs*10). This alteration is expected to result in loss of function by premature protein truncation or nonsense-mediated mRNA decay. As such, this alteration is interpreted as a disease-causing mutation.

Literature cited by the submitters: PubMed 21876083 (cited by Labcorp Genetics (formerly Invitae), Labcorp); PubMed 24713400 (cited by Labcorp Genetics (formerly Invitae), Labcorp).

NM_007194.4(CHEK2):c.673del (p.Thr225fs)

Gene: CHEK2 (checkpoint kinase 2; minus strand). Cytogenetic location: 22q12.1.
Variant type: Deletion.
Coding change: c.673del on transcript NM_007194.4 (MANE Select); coding-DNA position 673, one base deleted (A; older notation c.673delA).
Protein change: p.Thr225fs; shifts the reading frame from threonine 225.
Molecular consequence: frameshift variant. On other transcripts: intron variant (1).
Genome position (GRCh38, 1-based): chr22:28,719,405, T deleted on the plus strand (A on the coding strand, the reverse complement: CHEK2 is on the minus strand); the first of 5 consecutive T bases (chr22:28,719,405-28,719,409); deleting any one gives the same sequence. VCF-style (leftmost placement, unchanged base first): chr22-28719404-GT-G. GRCh37 (hg19) VCF-style: chr22-29115392-GT-G.
Other names: c.802del, p.Thr268fs (NM_001005735.3, NM_001438294.1); c.10del, p.Thr4fs (NM_001257387.3, NM_001437942.1); c.766del, p.Thr256fs (NM_001438293.1, NM_001438295.1); c.673del, p.Thr225fs (NM_145862.3); c.482+5481del (NM_001349956.3); short protein forms T225fs, T268fs, T4fs, T256fs.
Identifiers: ClinVar variation 826589 (VCV000826589.11), dbSNP rs1342011335, ClinGen allele CA638800823.